The following is an entry in ClinVar:

ClinVar aggregate classification (germline): Pathogenic/Likely pathogenic. Review status: criteria provided, multiple submitters, no conflicts (2 of 4 stars). 2 submissions from 2 submitters: Pathogenic (1); Likely pathogenic (1). Last evaluated 2024-10-04.

Conditions:
Bifunctional peroxisomal enzyme deficiency (DBIF). Also called: PBFE DEFICIENCY; D-bifunctional protein deficiency; DBP DEFICIENCY. Identifiers: Orphanet 300, MedGen C0342870, MONDO:0009855, OMIM 261515. Disease mechanism: loss of function.

Submissions (2):

Dubai Health Genomic Medicine Center, Dubai Health
Classification: Likely pathogenic for D-bifunctional protein deficiency. Last evaluated: 2024-10-04. Review status: criteria provided, single submitter. Criteria: ACMG Guidelines, 2015. Collection method: research. Allele origin: germline. Affected: yes.
Comment: PVS1,PM2

ITMI
Classification: Pathogenic for Bifunctional peroxisomal enzyme deficiency. Last evaluated: 2015-04-21. Review status: criteria provided, single submitter. Criteria: Submitter's publication. Collection method: case-control. Allele origin: germline. Inheritance: Autosomal recessive inheritance. Affected: yes. Observed: 1 variant allele, 1 homozygote.

Literature cited by the submitters: DOI 10.1159/000433621 (cited by ITMI).

NM_000414.4(HSD17B4):c.302+3_302+6del

Gene: HSD17B4 (hydroxysteroid 17-beta dehydrogenase 4; plus strand). Cytogenetic location: 5q23.1.
Variant type: Deletion.
Coding change: c.302+3_302+6del on transcript NM_000414.4 (MANE Select); bases 3 to 6 of the intron after coding-DNA position 302, 4 bases deleted (GAGT; older notation c.302+3_302+6delGAGT).
Molecular consequence: splice donor variant.
Genome position (GRCh38, 1-based): chr5:119,475,730-119,475,733, GAGT deleted; deleting any 4 consecutive bases within chr5:119,475,728-119,475,733 gives the same sequence; the c. name uses the placement nearest the transcript's 3' end. VCF-style (leftmost placement, unchanged base first): chr5-119475727-GGTGA-G. GRCh37 (hg19) VCF-style: chr5-118811422-GGTGA-G.
Other names: c.302+1_4delGTGA (NM_000414.3); c.377+3_377+6del (NM_001199291.3); c.-110+3_-110+6del (NM_001292028.2); c.230+3_230+6del (NM_001292027.2); c.248+3_248+6del (NM_001199292.2).
Identifiers: ClinVar variation 218138 (VCV000218138.3), dbSNP rs863225438, ClinGen allele CA279888.